The following is an entry in ClinVar:

ClinVar aggregate classification (germline): Benign/Likely benign. Review status: criteria provided, multiple submitters, no conflicts (2 of 4 stars). 3 submissions from 3 submitters: Benign (1); Likely benign (2). Last evaluated 2025-05-05.

Conditions:
Lung cancer. Also called: Malignant tumor of lung; Lung cancer, somatic. Identifiers: MedGen C0242379, MONDO:0008903, OMIM 211980.
Hereditary cancer-predisposing syndrome. Also called: Tumor predisposition; Hereditary neoplastic syndrome; Neoplastic Syndromes, Hereditary; Hereditary Cancer Syndrome. Identifiers: Orphanet 140162, MedGen C0027672, MeSH D009386, MONDO:0015356.
EGFR-related lung cancer (EGFR). Identifiers: MedGen CN130014.

Allele frequency attached by ClinVar (database versions not stated): gnomAD exomes below 0.00001.

Submissions (3):

Labcorp Genetics (formerly Invitae), Labcorp
Classification: Likely benign for EGFR-related lung cancer. Last evaluated: 2025-05-05. Review status: criteria provided, single submitter. Criteria: Invitae Variant Classification Sherloc (09022015). Collection method: clinical testing. Allele origin: germline.

Ambry Genetics
Classification: Likely benign for Hereditary cancer-predisposing syndrome. Last evaluated: 2025-04-18. Review status: criteria provided, single submitter. Criteria: Ambry Variant Classification Scheme 2023. Collection method: clinical testing. Allele origin: germline.

Myriad Genetics, Inc.
Classification: Benign for Lung cancer. Last evaluated: 2024-10-16. Review status: criteria provided, single submitter. Criteria: Myriad Autosomal Dominant, Autosomal Recessive and X-Linked Classification Criteria (2023). Collection method: clinical testing. Allele origin: unknown.
Comment: This variant is considered benign. This variant is a silent/synonymous amino acid change and it is not expected to impact splicing.

NM_005228.5(EGFR):c.2395C>T (p.Leu799=)

Genes: EGFR-AS1 (EGFR antisense RNA 1; minus strand), EGFR (epidermal growth factor receptor; plus strand). Cytogenetic location: 7p11.2.
Variant type: single nucleotide variant.
Coding change: c.2395C>T on transcript NM_005228.5 (MANE Select); coding-DNA position 2395, C replaced by T.
Protein change: p.Leu799=; no amino-acid change (leucine 799 retained).
Molecular consequence: synonymous variant. On other transcripts: non-coding transcript variant (1).
Genome position (GRCh38, 1-based): chr7:55,181,404, C>T. VCF-style: chr7-55181404-C-T. GRCh37 (hg19) VCF-style: chr7-55249097-C-T.
Other names: c.2260C>T, p.Leu754= (NM_001346897.2, NM_001346899.2); c.2395C>T, p.Leu799= (NM_001346898.2); c.2236C>T, p.Leu746= (NM_001346900.2); c.1594C>T, p.Leu532= (NM_001346941.2); c.2395C>T (NM_005228.3).
Identifiers: ClinVar variation 1657632 (VCV001657632.10), dbSNP rs2128958711, ClinGen allele CA455165210.